The following is an entry in ClinVar:

ClinVar aggregate classification (germline): Uncertain significance (1 of 4 stars; one submission).

Submission:

GeneDx
Classification: Uncertain significance. Last evaluated: 2023-07-09. Review status: criteria provided, single submitter. Criteria: GeneDx Variant Classification Process June 2021. Collection method: clinical testing. Allele origin: germline. Affected: yes.
Comment: Not observed at significant frequency in large population cohorts (gnomAD); In silico analysis supports that this missense variant has a deleterious effect on protein structure/function; Has not been previously published as pathogenic or benign to our knowledge

NM_001378974.1(FBXW11):c.413G>T (p.Arg138Leu)

Gene: FBXW11 (F-box and WD repeat domain containing 11; minus strand). Cytogenetic location: 5q35.1.
Variant type: single nucleotide variant.
Coding change: c.413G>T on transcript NM_001378974.1 (MANE Select); coding-DNA position 413, G replaced by T.
Protein change: p.Arg138Leu; replaces arginine 138 with leucine.
Molecular consequence: missense variant.
Genome position (GRCh38, 1-based): chr5:171,910,595, C>A on the plus strand (G>T on the coding strand, the complement: FBXW11 is on the minus strand). VCF-style: chr5-171910595-C-A. GRCh37 (hg19) VCF-style: chr5-171337599-C-A.
Other names: c.350G>T, p.Arg117Leu (NM_001378975.1, NM_012300.3); c.317G>T, p.Arg106Leu (NM_001378976.1); c.254G>T, p.Arg85Leu (NM_001378977.1, NM_001378978.1, NM_001378979.1); c.248G>T, p.Arg83Leu (NM_001378980.1, NM_033645.3); c.311G>T, p.Arg104Leu (NM_033644.3); short protein forms R104L, R106L, R117L, R138L, R83L, R85L.
Identifiers: ClinVar variation 3360457 (VCV003360457.1).
Genomic context (GRCh38, chr5:171,910,595, plus strand): 5'-TCAACTGCTCAGCTTTTGAAAAGACAAGTACAGTTACCTGGTAAAGCGGTAATAAAGTCC[C>A]GCTGCAACATGGGCTTCAGGTAAGAGTTAATATGTCCATGCTGATAATGACACATTCGTG-3'
Protein context (NP_001365903.1, residues 128-148): INSYLKPMLQ[Arg138Leu]DFITALPEQG